The following is an entry in ClinVar:

ClinVar aggregate classification (germline): Benign/Likely benign. Review status: criteria provided, multiple submitters, no conflicts (2 of 4 stars). 2 submissions from 2 submitters: Benign (1); Likely benign (1). Last evaluated 2024-03-26.

Conditions:
Hereditary cancer-predisposing syndrome. Also called: Hereditary Cancer Syndrome; Hereditary neoplastic syndrome; Neoplastic Syndromes, Hereditary; Tumor predisposition. Identifiers: Orphanet 140162, MedGen C0027672, MeSH D009386, MONDO:0015356.
Familial adenomatous polyposis 1 (FAP1). Also called: FAMILIAL ADENOMATOUS POLYPOSIS 1, ATTENUATED; POLYPOSIS, ADENOMATOUS INTESTINAL. Identifiers: MedGen C2713442, MONDO:0021056, OMIM 175100. Disease mechanism: loss of function.

Allele frequency attached by ClinVar (database versions not stated): ExAC 0.00001.

Submissions (2):

Myriad Genetics, Inc.
Classification: Benign for Familial adenomatous polyposis 1. Last evaluated: 2024-03-26. Review status: criteria provided, single submitter. Criteria: Myriad Autosomal Dominant, Autosomal Recessive and X-Linked Classification Criteria (2023). Collection method: clinical testing. Allele origin: unknown.
Comment: This variant is considered benign. This variant is a silent/synonymous amino acid change and it is not expected to impact splicing.

Ambry Genetics
Classification: Likely benign for Hereditary cancer-predisposing syndrome. Last evaluated: 2021-03-11. Review status: criteria provided, single submitter. Criteria: Ambry Variant Classification Scheme 2023. Collection method: clinical testing. Allele origin: germline.

NM_000038.6(APC):c.4437C>G (p.Val1479=)

Gene: APC (APC regulator of Wnt signaling pathway; plus strand). Cytogenetic location: 5q22.2.
Variant type: single nucleotide variant.
Coding change: c.4437C>G on transcript NM_000038.6 (MANE Select); coding-DNA position 4437, C replaced by G.
Protein change: p.Val1479=; no amino-acid change (valine 1479 retained).
Molecular consequence: synonymous variant. On other transcripts: non-coding transcript variant (2).
Genome position (GRCh38, 1-based): chr5:112,840,031, C>G. VCF-style: chr5-112840031-C-G. GRCh37 (hg19) VCF-style: chr5-112175728-C-G.
Other names: c.4437C>G, p.Val1479= (NM_001127510.3, NM_001354895.2, NM_001407450.1); c.4383C>G, p.Val1461= (NM_001127511.3); c.4491C>G, p.Val1497= (NM_001354896.2, NM_001407447.1, NM_001407448.1 and 1 more transcripts); c.4467C>G, p.Val1489= (NM_001354897.2); c.4362C>G, p.Val1454= (NM_001354898.2); c.4353C>G, p.Val1451= (NM_001354899.2); c.4314C>G, p.Val1438= (NM_001354900.2); c.4260C>G, p.Val1420= (NM_001354901.2, NM_001407453.1); and 11 more.
Identifiers: ClinVar variation 1740590 (VCV001740590.2), dbSNP rs776622357, ClinGen allele CA039068.